The following is an entry in ClinVar:

NM_014264.5(PLK4):c.2506A>G (p.Arg836Gly)

Gene: PLK4 (polo like kinase 4; plus strand). Cytogenetic location: 4q28.1.
Variant type: single nucleotide variant.
Coding change: c.2506A>G on transcript NM_014264.5 (MANE Select); coding-DNA position 2506, A replaced by G.
Protein change: p.Arg836Gly; replaces arginine 836 with glycine.
Molecular consequence: missense variant.
Genome position (GRCh38, 1-based): chr4:127,893,825, A>G. VCF-style: chr4-127893825-A-G. GRCh37 (hg19) VCF-style: chr4-128814980-A-G.
Other names: c.2410A>G, p.Arg804Gly (NM_001190799.2); c.2383A>G, p.Arg795Gly (NM_001190801.2); short protein forms R795G, R836G, R804G.
Identifiers: ClinVar variation 2030240 (VCV002030240.4), dbSNP rs1560700504, ClinGen allele CA358162688.

ClinVar aggregate classification (germline): Uncertain significance (1 of 4 stars; one submission).

Allele frequency attached by ClinVar (database versions not stated): gnomAD 0.00001; gnomAD exomes 0.00001.
gnomAD v4.1: 8 of 1,612,744 alleles (0.0005%); highest among the groups gnomAD compares: South Asian, 0.0055%; no homozygotes.

Submission:

Labcorp Genetics (formerly Invitae), Labcorp
Classification: Uncertain significance. Last evaluated: 2025-01-15. Review status: criteria provided, single submitter. Criteria: Invitae Variant Classification Sherloc (09022015). Collection method: clinical testing. Allele origin: germline.
Comment: This sequence change replaces arginine, which is basic and polar, with glycine, which is neutral and non-polar, at codon 836 of the PLK4 protein (p.Arg836Gly). This variant is not present in population databases (gnomAD no frequency). This variant has not been reported in the literature in individuals affected with PLK4-related conditions. ClinVar contains an entry for this variant (Variation ID: 2030240). An algorithm developed to predict the effect of missense changes on protein structure and function (PolyPhen-2) suggests that this variant is likely to be tolerated. In summary, the available evidence is currently insufficient to determine the role of this variant in disease. Therefore, it has been classified as a Variant of Uncertain Significance.